The following is an entry in ClinVar:

ClinVar aggregate classification (germline): Pathogenic (1 of 4 stars; one submission).

Conditions:
Tuberous sclerosis syndrome (TSC). Also called: Tuberous sclerosis; Tuberous Sclerosis Complex. Identifiers: Orphanet 805, MedGen C0041341, MONDO:0001734.

Submission:

Cambridge Genomics Laboratory, East Genomic Laboratory Hub, NHS Genomic Medicine Service
Classification: Pathogenic for Tuberous sclerosis. Last evaluated: 2026-09-24. Review status: criteria provided, single submitter. Criteria: ACGS Best Practice Guidelines for Variant Classification in Rare Disease 2020. Collection method: clinical testing. Allele origin: germline. Affected: yes.
Comment: PVS1,PM2,PP4

NM_000548.5(TSC2):c.337-1G>C

Gene: TSC2 (TSC complex subunit 2; plus strand). Cytogenetic location: 16p13.3.
Variant type: single nucleotide variant.
Coding change: c.337-1G>C on transcript NM_000548.5 (MANE Select); the canonical splice acceptor site of the intron before coding-DNA position 337, G replaced by C.
Molecular consequence: splice acceptor variant. On other transcripts: intron variant (6).
Genome position (GRCh38, 1-based): chr16:2,054,295, G>C. VCF-style: chr16-2054295-G-C. GRCh37 (hg19) VCF-style: chr16-2104296-G-C.
Other names: c.-1311-1G>C (NM_001406693.1); c.427-1G>C (NM_001406667.1, NM_001406668.1); c.-480-1G>C (NM_001406680.1, NM_001406683.1, NM_001406687.1); c.-1095-1G>C (NM_001406689.1, NM_001406690.1, NM_001406692.1 and 2 more transcripts); c.-1271-1G>C (NM_001406698.1); c.337-1G>C (NM_001114382.3, NM_001406663.1, NM_001406664.1 and 8 more transcripts); c.-976-1G>C (NM_001406694.1, NM_001406695.1); c.-1083-1G>C (NM_001406696.1); and 6 more.
Identifiers: ClinVar variation 5016517 (VCV005016517.1).